The following is an entry in ClinVar:

ClinVar aggregate classification (germline): Uncertain significance (1 of 4 stars; one submission).

Allele frequency attached by ClinVar (database versions not stated): gnomAD exomes 0.00002 and 0.00009; ExAC 0.00012; gnomAD 0.00025 and 0.00026; TOPMed 0.00029; ESP Exome Variant Server 0.00038; 1000 Genomes Project 30x 0.00062; 1000 Genomes Project 0.00080.
gnomAD v4.1: 77 of 1,614,248 alleles (0.0048%); highest among the groups gnomAD compares: African/African-American, 0.091%; no homozygotes.

Submission:

Labcorp Genetics (formerly Invitae), Labcorp
Classification: Uncertain significance. Last evaluated: 2022-04-13. Review status: criteria provided, single submitter. Criteria: Invitae Variant Classification Sherloc (09022015). Collection method: clinical testing. Allele origin: germline.
Comment: This sequence change replaces alanine, which is neutral and non-polar, with aspartic acid, which is acidic and polar, at codon 88 of the HMOX1 protein (p.Ala88Asp). This variant is present in population databases (rs146227657, gnomAD 0.1%). This variant has not been reported in the literature in individuals affected with HMOX1-related conditions. Algorithms developed to predict the effect of missense changes on protein structure and function are either unavailable or do not agree on the potential impact of this missense change (SIFT: "Deleterious"; PolyPhen-2: "Probably Damaging"; Align-GVGD: "Class C0"). In summary, the available evidence is currently insufficient to determine the role of this variant in disease. Therefore, it has been classified as a Variant of Uncertain Significance.

NM_002133.3(HMOX1):c.263C>A (p.Ala88Asp)

Gene: HMOX1 (heme oxygenase 1; plus strand). Cytogenetic location: 22q12.3.
Variant type: single nucleotide variant.
Coding change: c.263C>A on transcript NM_002133.3 (MANE Select); coding-DNA position 263, C replaced by A.
Protein change: p.Ala88Asp; replaces alanine 88 with aspartic acid.
Molecular consequence: missense variant.
Genome position (GRCh38, 1-based): chr22:35,386,803, C>A. VCF-style: chr22-35386803-C-A. GRCh37 (hg19) VCF-style: chr22-35782796-C-A.
Other names: short protein forms A88D.
Identifiers: ClinVar variation 1411177 (VCV001411177.5), dbSNP rs146227657, ClinGen allele CA10204676.